The following is an entry in ClinVar:

NM_007259.5(VPS45):c.1601_1602delinsTT (p.Gly534Val)

Gene: VPS45 (vacuolar protein sorting 45 homolog; plus strand). Cytogenetic location: 1q21.2.
Variant type: Indel.
Coding change: c.1601_1602delinsTT on transcript NM_007259.5 (MANE Select); coding-DNA positions 1601 to 1602, GC replaced by TT.
Protein change: p.Gly534Val; replaces glycine 534 with valine.
Molecular consequence: missense variant. On other transcripts: non-coding transcript variant (1).
Genome position (GRCh38, 1-based): chr1:150,110,603-150,110,604, GC replaced by TT. VCF-style: chr1-150110603-GC-TT. GRCh37 (hg19) VCF-style: chr1-150082718-GC-TT.
Other names: c.1286_1287delinsTT, p.Gly429Val (NM_001279353.2); c.1493_1494delinsTT, p.Gly498Val (NM_001279354.2); short protein forms G498V, G534V, G429V.
Identifiers: ClinVar variation 1936278 (VCV001936278.2), dbSNP rs2526304581, ClinGen allele CA2580060952.

ClinVar aggregate classification (germline): Uncertain significance (1 of 4 stars; one submission).

Conditions:
Congenital neutropenia-myelofibrosis-nephromegaly syndrome. Also called: Severe congenital neutropenia 5, autosomal recessive. Identifiers: Orphanet 369852, MedGen C3809031, MONDO:0014118, OMIM 615285.

Submission:

Labcorp Genetics (formerly Invitae), Labcorp
Classification: Uncertain significance for Congenital neutropenia-myelofibrosis-nephromegaly syndrome. Last evaluated: 2022-09-13. Review status: criteria provided, single submitter. Criteria: Invitae Variant Classification Sherloc (09022015). Collection method: clinical testing. Allele origin: germline.
Comment: This sequence change replaces glycine, which is neutral and non-polar, with valine, which is neutral and non-polar, at codon 534 of the VPS45 protein (p.Gly534Val). Information on the frequency of this variant in the gnomAD database is not available, as this variant may be reported differently in the database. This variant has not been reported in the literature in individuals affected with VPS45-related conditions. Algorithms developed to predict the effect of missense changes on protein structure and function are either unavailable or do not agree on the potential impact of this missense change (SIFT: "Not Available"; PolyPhen-2: "Probably Damaging"; Align-GVGD: "Not Available"). In summary, the available evidence is currently insufficient to determine the role of this variant in disease. Therefore, it has been classified as a Variant of Uncertain Significance.